The following is an entry in ClinVar:

ClinVar aggregate classification (germline): Benign. Review status: criteria provided, multiple submitters, no conflicts (2 of 4 stars). 2 submissions from 2 submitters: Benign (2). Last evaluated 2026-01-26.

Conditions:
Frank-Ter Haar syndrome. Also called: Borrone di Rocco Crovato syndrome; TER HAAR SYNDROME; MELNICK-NEEDLES SYNDROME, AUTOSOMAL RECESSIVE; BORRONE DERMATOCARDIOSKELETAL SYNDROME. Identifiers: Orphanet 1266, Orphanet 137834, MedGen C1855305, MONDO:0009579, OMIM 249420.

Allele frequency attached by ClinVar (database versions not stated): ESP Exome Variant Server 0.00008; TOPMed 0.00147; gnomAD 0.00188; 1000 Genomes Project 0.00639; 1000 Genomes Project 30x 0.00687.
gnomAD v4.1: 1,420 of 1,612,988 alleles (0.088%); highest among the groups gnomAD compares: East Asian, 2.5%; 18 homozygotes.

Submissions (2):

Labcorp Genetics (formerly Invitae), Labcorp
Classification: Benign. Last evaluated: 2026-01-26. Review status: criteria provided, single submitter. Criteria: Invitae Variant Classification Sherloc (09022015). Collection method: clinical testing. Allele origin: germline.

Illumina Laboratory Services, Illumina
Classification: Benign for Frank-Ter Haar syndrome. Last evaluated: 2018-01-13. Review status: criteria provided, single submitter. Criteria: ICSL Variant Classification Criteria 13 December 2019. Collection method: clinical testing. Allele origin: germline.
Comment: This variant was observed in the ICSL laboratory as part of a predisposition screen in an ostensibly healthy population. It had not been previously curated by ICSL or reported in the Human Gene Mutation Database (HGMD: prior to June 1st, 2018), and was therefore a candidate for classification through an automated scoring system. Utilizing variant allele frequency, disease prevalence and penetrance estimates, and inheritance mode, an automated score was calculated to assess if this variant is too frequent to cause the disease. Based on the score and internal cut-off values, a variant classified as benign is not then subjected to further curation. The score for this variant resulted in a classification of benign for this disease.

NM_001017995.3(SH3PXD2B):c.427+14C>G

Gene: SH3PXD2B (SH3 and PX domains 2B; minus strand). Cytogenetic location: 5q35.1.
Variant type: single nucleotide variant.
Coding change: c.427+14C>G on transcript NM_001017995.3 (MANE Select); 14 bases into the intron after coding-DNA position 427, C replaced by G.
Molecular consequence: intron variant.
Genome position (GRCh38, 1-based): chr5:172,373,776, G>C on the plus strand (C>G on the coding strand, the complement: SH3PXD2B is on the minus strand). VCF-style: chr5-172373776-G-C. GRCh37 (hg19) VCF-style: chr5-171800780-G-C.
Other names: c.427+14C>G (NM_001308175.2).
Identifiers: ClinVar variation 352826 (VCV000352826.12), dbSNP rs79535495, ClinGen allele CA3561552.